The following is an entry in ClinVar:

NM_001170700.3(DTHD1):c.2098A>G (p.Asn700Asp)

Gene: DTHD1 (death domain containing 1; plus strand). Cytogenetic location: 4p14.
Variant type: single nucleotide variant.
Coding change: c.2098A>G on transcript NM_001170700.3 (MANE Select); coding-DNA position 2098, A replaced by G.
Protein change: p.Asn700Asp; replaces asparagine 700 with aspartic acid.
Molecular consequence: missense variant. On other transcripts: non-coding transcript variant (2).
Genome position (GRCh38, 1-based): chr4:36,316,244, A>G. VCF-style: chr4-36316244-A-G. GRCh37 (hg19) VCF-style: chr4-36317866-A-G.
Other names: c.1228A>G, p.Asn410Asp (NM_001136536.5); c.1165A>G, p.Asn389Asp (NM_001378435.1); short protein forms N389D, N700D, N410D.
Identifiers: ClinVar variation 954746 (VCV000954746.8), dbSNP rs536385570, ClinGen allele CA2885709.
Genomic context (GRCh38, chr4:36,316,244, plus strand): 5'-CTCGGCCTCCCAAAGTGAGATAACTTAATGGTAATAAATACATTTTACTTCTATTTAGGC[A>G]ACGGGAAGGATTATGGAAAAGACTACACACTTATTTTTCACTTGCAAAGAAAACCTAGGC-3'
Protein context (NP_001164171.2, residues 690-710): RFTGNIFASS[Asn700Asp]GKDYGKDYTL

ClinVar aggregate classification (germline): Uncertain significance (1 of 4 stars; one submission).

Allele frequency attached by ClinVar (database versions not stated): gnomAD exomes 0.00002 and 0.00006; ExAC 0.00005; 1000 Genomes Project 0.00040; gnomAD 0.00042 and 0.00047; 1000 Genomes Project 30x 0.00047; TOPMed 0.00055.

Submission:

Labcorp Genetics (formerly Invitae), Labcorp
Classification: Uncertain significance. Last evaluated: 2026-01-06. Review status: criteria provided, single submitter. Criteria: Invitae Variant Classification Sherloc (09022015). Collection method: clinical testing. Allele origin: germline.
Comment: This sequence change replaces asparagine, which is neutral and polar, with aspartic acid, which is acidic and polar, at codon 410 of the DTHD1 protein (p.Asn410Asp). This variant is present in population databases (rs536385570, gnomAD 0.1%), and has an allele count higher than expected for a pathogenic variant. This variant has not been reported in the literature in individuals affected with DTHD1-related conditions. ClinVar contains an entry for this variant (Variation ID: 954746). An algorithm developed to predict the effect of missense changes on protein structure and function (PolyPhen-2) suggests that this variant is likely to be disruptive. In summary, the available evidence is currently insufficient to determine the role of this variant in disease. Therefore, it has been classified as a Variant of Uncertain Significance.